The following is an entry in ClinVar:

ClinVar aggregate classification (germline): Uncertain significance (1 of 4 stars; one submission).

Submission:

CeGaT Center for Human Genetics Tuebingen
Classification: Uncertain significance. Last evaluated: 2026-05-01. Review status: criteria provided, single submitter. Criteria: CeGaT Center For Human Genetics Tuebingen Variant Classification Criteria Version 2. Collection method: clinical testing. Allele origin: germline. Affected: yes. Observed: 1 variant allele.
Comment: MED13: PM2, PP3

NM_005121.3(MED13):c.5333A>T (p.Glu1778Val)

Gene: MED13 (mediator complex subunit 13; minus strand). Cytogenetic location: 17q23.2.
Variant type: single nucleotide variant.
Coding change: c.5333A>T on transcript NM_005121.3 (MANE Select); coding-DNA position 5333, A replaced by T.
Protein change: p.Glu1778Val; replaces glutamic acid 1778 with valine.
Molecular consequence: missense variant.
Genome position (GRCh38, 1-based): chr17:61,961,014, T>A on the plus strand (A>T on the coding strand, the complement: MED13 is on the minus strand). VCF-style: chr17-61961014-T-A. GRCh37 (hg19) VCF-style: chr17-60038375-T-A.
Other names: short protein forms E1778V.
Identifiers: ClinVar variation 4875219 (VCV004875219.2).
Genomic context (GRCh38, chr17:61,961,014, plus strand): 5'-TGTGATAAACAGTATCCCACAAAAAGAACATTATATTTCTGTCCAGCTTCTCCAAATGTT[T>A]CTCCTAGCTCTGTCTGTTTGTCCTTCACTGGAGCCAGAATAAAAGGAGGTGCATAAAGTC-3'
Protein context (NP_005112.2, residues 1768-1788): PVKDKQTELG[Glu1778Val]TFGEAGQKYN